The following is an entry in ClinVar:

NM_020937.4(FANCM):c.1244A>T (p.His415Leu)

Gene: FANCM (FA complementation group M; plus strand). Cytogenetic location: 14q21.2.
Variant type: single nucleotide variant.
Coding change: c.1244A>T on transcript NM_020937.4 (MANE Select); coding-DNA position 1244, A replaced by T.
Protein change: p.His415Leu; replaces histidine 415 with leucine.
Molecular consequence: missense variant.
Genome position (GRCh38, 1-based): chr14:45,154,757, A>T. VCF-style: chr14-45154757-A-T. GRCh37 (hg19) VCF-style: chr14-45623960-A-T.
Other names: c.1166A>T, p.His389Leu (NM_001308133.2); c.1244A>T, p.His415Leu (NM_001308134.2); short protein forms H389L, H415L.
Identifiers: ClinVar variation 3512984 (VCV003512984.1).
Genomic context (GRCh38, chr14:45,154,757, plus strand): 5'-GGATGACACGGTCAAAAAATGAACTTGGCCGAAATGAAGACTTCATGAAACTCTATAATC[A>T]TCTAGAGTGTATGTTTGCACGTACACGTAGTACTTCAGCAAATGGTATTTCTGCTATCCA-3'
Protein context (NP_065988.1, residues 405-425): RNEDFMKLYN[His415Leu]LECMFARTRS

ClinVar aggregate classification (germline): Uncertain significance (1 of 4 stars; one submission).

Conditions:
Inborn genetic diseases. Identifiers: MedGen C0950123, MeSH D030342.

Submission:

Ambry Genetics
Classification: Uncertain significance for Inborn genetic diseases. Last evaluated: 2024-12-08. Review status: criteria provided, single submitter. Criteria: Ambry Variant Classification Scheme 2023. Collection method: clinical testing. Allele origin: germline.
Comment: The p.H415L variant (also known as c.1244A>T), located in coding exon 7 of the FANCM gene, results from an A to T substitution at nucleotide position 1244. The histidine at codon 415 is replaced by leucine, an amino acid with similar properties. This amino acid position is conserved. In addition, this alteration is predicted to be tolerated by in silico analysis. Based on the available evidence, the clinical significance of this variant remains unclear.